The following is an entry in ClinVar:

NM_000539.3(RHO):c.137T>G (p.Leu46Arg)

Gene: RHO (rhodopsin; plus strand). Cytogenetic location: 3q22.1.
Variant type: single nucleotide variant.
Coding change: c.137T>G on transcript NM_000539.3 (MANE Select); coding-DNA position 137, T replaced by G.
Protein change: p.Leu46Arg; replaces leucine 46 with arginine.
Molecular consequence: missense variant.
Genome position (GRCh38, 1-based): chr3:129,528,870, T>G. VCF-style: chr3-129528870-T-G. GRCh37 (hg19) VCF-style: chr3-129247713-T-G.
Other names: short protein forms L46R.
Identifiers: ClinVar variation 870952 (VCV000870952.43), dbSNP rs2084757073, ClinGen allele CA354495905.

ClinVar aggregate classification (germline): Pathogenic. Review status: criteria provided, multiple submitters, no conflicts (2 of 4 stars). 2 submissions from 2 submitters: Pathogenic (2). Last evaluated 2024-05-26.

Submissions (2):

Labcorp Genetics (formerly Invitae), Labcorp
Classification: Pathogenic. Last evaluated: 2024-05-26. Review status: criteria provided, single submitter. Criteria: Invitae Variant Classification Sherloc (09022015). Collection method: clinical testing. Allele origin: germline.
Comment: This sequence change replaces leucine, which is neutral and non-polar, with arginine, which is basic and polar, at codon 46 of the RHO protein (p.Leu46Arg). This variant is not present in population databases (gnomAD no frequency). This missense change has been observed in individuals with clinical features of autosomal dominant retinitis pigmentosa (PMID: 8364589, 32531858; Invitae). It has also been observed to segregate with disease in related individuals. ClinVar contains an entry for this variant (Variation ID: 870952). Advanced modeling of protein sequence and biophysical properties (such as structural, functional, and spatial information, amino acid conservation, physicochemical variation, residue mobility, and thermodynamic stability) performed at Invitae indicates that this missense variant is expected to disrupt RHO protein function with a positive predictive value of 80%. Experimental studies have shown that this missense change affects RHO function (PMID: 30240733, 30977563). For these reasons, this variant has been classified as Pathogenic.

CeGaT Center for Human Genetics Tuebingen
Classification: Pathogenic. Last evaluated: 2017-08-01. Review status: criteria provided, single submitter. Criteria: CeGaT Center For Human Genetics Tuebingen Variant Classification Criteria Version 2. Collection method: clinical testing. Allele origin: germline. Affected: yes. Observed: 1 variant allele.

Literature cited by the submitters: PubMed 8364589 (cited by Labcorp Genetics (formerly Invitae), Labcorp); PubMed 32531858 (cited by Labcorp Genetics (formerly Invitae), Labcorp); PubMed 30240733 (cited by Labcorp Genetics (formerly Invitae), Labcorp); PubMed 30977563 (cited by Labcorp Genetics (formerly Invitae), Labcorp).